The following is an entry in ClinVar:

ClinVar aggregate classification (germline): Likely benign (0 of 4 stars; one submission).

Conditions:
TET1-related disorder. Also called: TET1-related condition.

Allele frequency attached by ClinVar (database versions not stated): gnomAD 0.00005; ExAC 0.00006; ESP Exome Variant Server 0.00015; 1000 Genomes Project 30x 0.00016; 1000 Genomes Project 0.00020.
gnomAD v4.1: 168 of 1,614,178 alleles (0.01%); highest among the groups gnomAD compares: Middle Eastern, 0.033%; no homozygotes.

Submission:

PreventionGenetics, part of Exact Sciences
Classification: Likely benign for TET1-related condition. Last evaluated: 2019-05-23. Review status: no assertion criteria provided. Collection method: clinical testing. Allele origin: germline.
Comment: This variant is classified as likely benign based on ACMG/AMP sequence variant interpretation guidelines (Richards et al. 2015 PMID: 25741868, with internal and published modifications).

NM_030625.3(TET1):c.5916C>T (p.Asp1972=)

Gene: TET1 (tet methylcytosine dioxygenase 1; plus strand). Cytogenetic location: 10q21.3.
Variant type: single nucleotide variant.
Coding change: c.5916C>T on transcript NM_030625.3 (MANE Select); coding-DNA position 5916, C replaced by T.
Protein change: p.Asp1972=; no amino-acid change (aspartic acid 1972 retained).
Molecular consequence: synonymous variant.
Genome position (GRCh38, 1-based): chr10:68,691,319, C>T. VCF-style: chr10-68691319-C-T. GRCh37 (hg19) VCF-style: chr10-70451076-C-T.
Other names: c.6003C>T, p.Asp2001= (NM_001406365.1); c.4092C>T, p.Asp1364= (NM_001406367.1); c.3990C>T, p.Asp1330= (NM_001406368.1, NM_001406369.1, NM_001406370.1); c.3903C>T, p.Asp1301= (NM_001406371.1, NM_001406372.1); c.3510C>T, p.Asp1170= (NM_001406373.1); c.3423C>T, p.Asp1141= (NM_001406374.1); c.1647C>T, p.Asp549= (NM_001406375.1); c.1560C>T, p.Asp520= (NM_001406376.1).
Identifiers: ClinVar variation 3038984 (VCV003038984.2), dbSNP rs181081228, ClinGen allele CA5526970.